The following is an entry in ClinVar:

ClinVar aggregate classification (germline): Uncertain significance (1 of 4 stars; one submission).

Allele frequency attached by ClinVar (database versions not stated): gnomAD exomes below 0.00001.
gnomAD v4.1: 2 of 1,511,860 alleles (0.00013%); highest among the groups gnomAD compares: Non-Finnish European, 0.00018%; no homozygotes.

Submission:

Labcorp Genetics (formerly Invitae), Labcorp
Classification: Uncertain significance. Last evaluated: 2022-05-07. Review status: criteria provided, single submitter. Criteria: Invitae Variant Classification Sherloc (09022015). Collection method: clinical testing. Allele origin: germline.
Comment: In summary, the available evidence is currently insufficient to determine the role of this variant in disease. Therefore, it has been classified as a Variant of Uncertain Significance. Advanced modeling of protein sequence and biophysical properties (such as structural, functional, and spatial information, amino acid conservation, physicochemical variation, residue mobility, and thermodynamic stability) performed at Invitae indicates that this missense variant is not expected to disrupt GRIN2D protein function. This variant has not been reported in the literature in individuals affected with GRIN2D-related conditions. This variant is not present in population databases (gnomAD no frequency). This sequence change replaces methionine, which is neutral and non-polar, with threonine, which is neutral and polar, at codon 893 of the GRIN2D protein (p.Met893Thr).

NM_000836.4(GRIN2D):c.2678T>C (p.Met893Thr)

Gene: GRIN2D (glutamate ionotropic receptor NMDA type subunit 2D; plus strand). Cytogenetic location: 19q13.33.
Variant type: single nucleotide variant.
Coding change: c.2678T>C on transcript NM_000836.4 (MANE Select); coding-DNA position 2678, T replaced by C.
Protein change: p.Met893Thr; replaces methionine 893 with threonine.
Molecular consequence: missense variant.
Genome position (GRCh38, 1-based): chr19:48,442,604, T>C. VCF-style: chr19-48442604-T-C. GRCh37 (hg19) VCF-style: chr19-48945861-T-C.
Other names: short protein forms M893T.
Identifiers: ClinVar variation 2044184 (VCV002044184.4), dbSNP rs1361992254, ClinGen allele CA406670840.